The following is an entry in ClinVar:

NM_014141.6(CNTNAP2):c.2837C>A (p.Thr946Lys)

Genes: CNTNAP2 (contactin associated protein 2; plus strand), LOC126860216 (BRD4-independent group 4 enhancer GRCh37_chr7:147868766-147869965; plus strand). Cytogenetic location: 7q35.
Variant type: single nucleotide variant.
Coding change: c.2837C>A on transcript NM_014141.6 (MANE Select); coding-DNA position 2837, C replaced by A.
Protein change: p.Thr946Lys; replaces threonine 946 with lysine.
Molecular consequence: missense variant.
Genome position (GRCh38, 1-based): chr7:148,172,305, C>A. VCF-style: chr7-148172305-C-A. GRCh37 (hg19) VCF-style: chr7-147869397-C-A.
Other names: c.2837C>A (NM_014141.5); short protein forms T946K.
Identifiers: ClinVar variation 1044187 (VCV001044187.8), dbSNP rs758287508, ClinGen allele CA4546493.
Genomic context (GRCh38, chr7:148,172,305, plus strand): 5'-GTGCTGGGGGCCAGCAGGGCTTCCTGGGCTGCATCCGCTCCTTGAGGATGAATGGGGTGA[C>A]ACTTGACCTGGAGGAAAGAGCAAAGGTCACATCTGGGTTCATATCCGGATGCTCGGGCCA-3'
Protein context (NP_054860.1, residues 936-956): CIRSLRMNGV[Thr946Lys]LDLEERAKVT

ClinVar aggregate classification (germline): Uncertain significance. Review status: criteria provided, multiple submitters, no conflicts (2 of 4 stars). 2 submissions from 2 submitters: Uncertain significance (2). Last evaluated 2025-08-16.

Conditions:
Cortical dysplasia-focal epilepsy syndrome (PTHSL1). Also called: Pitt-Hopkins-like syndrome 1. Identifiers: Orphanet 163681, Orphanet 221150, MedGen C2750246, MONDO:0012400, OMIM 610042.

Allele frequency attached by ClinVar (database versions not stated): ExAC 0.00001; gnomAD 0.00004 and 0.00003; gnomAD exomes 0.00002; TOPMed 0.00002.
gnomAD v4.1: 25 of 1,614,024 alleles (0.0015%); highest among the groups gnomAD compares: Non-Finnish European, 0.002%; no homozygotes.

Submissions (2):

GeneDx
Classification: Uncertain significance. Last evaluated: 2025-08-16. Review status: criteria provided, single submitter. Criteria: GeneDx Variant Classification Process June 2021. Collection method: clinical testing. Allele origin: germline.
Comment: Not observed at significant frequency in large population cohorts (gnomAD); In silico analysis supports that this missense variant has a deleterious effect on protein structure/function; Has not been previously published as pathogenic or benign to our knowledge

Labcorp Genetics (formerly Invitae), Labcorp
Classification: Uncertain significance for Cortical dysplasia-focal epilepsy syndrome. Last evaluated: 2022-06-17. Review status: criteria provided, single submitter. Criteria: Invitae Variant Classification Sherloc (09022015). Collection method: clinical testing. Allele origin: germline.
Comment: This sequence change replaces threonine, which is neutral and polar, with lysine, which is basic and polar, at codon 946 of the CNTNAP2 protein (p.Thr946Lys). This variant is present in population databases (rs758287508, gnomAD 0.004%). This variant has not been reported in the literature in individuals affected with CNTNAP2-related conditions. ClinVar contains an entry for this variant (Variation ID: 1044187). Algorithms developed to predict the effect of missense changes on protein structure and function are either unavailable or do not agree on the potential impact of this missense change (SIFT: "Deleterious"; PolyPhen-2: "Benign"; Align-GVGD: "Class C65"). In summary, the available evidence is currently insufficient to determine the role of this variant in disease. Therefore, it has been classified as a Variant of Uncertain Significance.